The following is an entry in ClinVar:

ClinVar aggregate classification (germline): Uncertain significance. Review status: criteria provided, multiple submitters, no conflicts (2 of 4 stars). 3 submissions from 3 submitters: Uncertain significance (3). Last evaluated 2024-10-16.

Conditions:
Inborn genetic diseases. Identifiers: MedGen C0950123, MeSH D030342.
Combined oxidative phosphorylation defect type 20. Also called: Combined oxidative phosphorylation deficiency 20. Identifiers: Orphanet 420728, MedGen C4014660, MONDO:0014397, OMIM 615917.

Allele frequency attached by ClinVar (database versions not stated): ExAC 0.00001; gnomAD 0.00001; gnomAD exomes 0.00001.

Submissions (3):

Ambry Genetics
Classification: Uncertain significance for Inborn genetic diseases. Last evaluated: 2024-10-16. Review status: criteria provided, single submitter. Criteria: Ambry Variant Classification Scheme 2023. Collection method: clinical testing. Allele origin: germline.

Labcorp Genetics (formerly Invitae), Labcorp
Classification: Uncertain significance. Last evaluated: 2024-04-10. Review status: criteria provided, single submitter. Criteria: Invitae Variant Classification Sherloc (09022015). Collection method: clinical testing. Allele origin: germline.
Comment: This sequence change replaces arginine, which is basic and polar, with histidine, which is basic and polar, at codon 198 of the VARS2 protein (p.Arg198His). This variant is present in population databases (rs776585917, gnomAD 0.002%). This variant has not been reported in the literature in individuals affected with VARS2-related conditions. ClinVar contains an entry for this variant (Variation ID: 1687509). Advanced modeling of protein sequence and biophysical properties (such as structural, functional, and spatial information, amino acid conservation, physicochemical variation, residue mobility, and thermodynamic stability) performed at Invitae indicates that this missense variant is expected to disrupt VARS2 protein function with a positive predictive value of 80%. In summary, the available evidence is currently insufficient to determine the role of this variant in disease. Therefore, it has been classified as a Variant of Uncertain Significance.

3billion
Classification: Uncertain significance for Combined oxidative phosphorylation defect type 20. Last evaluated: 2022-05-22. Review status: criteria provided, single submitter. Criteria: ACMG Guidelines, 2015. Collection method: clinical testing. Allele origin: germline. Affected: yes. Observed: 1 heterozygote.
Comment: The variant is observed at an extremely low frequency in the gnomAD v2.1.1 dataset (total allele frequency: 0.001%). Missense changes are a common disease-causing mechanism. In silico tool predictions suggest damaging effect of the variant on gene or gene product (REVEL: 0.70; 3Cnet: 0.87). Therefore, this variant is classified as uncertain significanceaccording to the recommendation of ACMG/AMP guideline.

NM_020442.6(VARS2):c.503G>A (p.Arg168His)

Gene: VARS2 (valyl-tRNA synthetase 2, mitochondrial; plus strand). Cytogenetic location: 6p21.33.
Variant type: single nucleotide variant.
Coding change: c.503G>A on transcript NM_020442.6 (MANE Select); coding-DNA position 503, G replaced by A.
Protein change: p.Arg168His; replaces arginine 168 with histidine.
Molecular consequence: missense variant.
Genome position (GRCh38, 1-based): chr6:30,915,864, G>A. VCF-style: chr6-30915864-G-A. GRCh37 (hg19) VCF-style: chr6-30883641-G-A.
Other names: c.593G>A (NM_001167734.1); c.83G>A, p.Arg28His (NM_001167733.3); c.593G>A, p.Arg198His (NM_001167734.2); short protein forms R168H, R198H, R28H.
Identifiers: ClinVar variation 1687509 (VCV001687509.7), dbSNP rs776585917, ClinGen allele CA3705603.